The following is an entry in ClinVar:

NM_173477.5(USH1G):c.310A>G (p.Met104Val)

Gene: USH1G (USH1 protein network component sans; minus strand). Cytogenetic location: 17q25.1.
Variant type: single nucleotide variant.
Coding change: c.310A>G on transcript NM_173477.5 (MANE Select); coding-DNA position 310, A replaced by G.
Protein change: p.Met104Val; replaces methionine 104 with valine.
Molecular consequence: missense variant. On other transcripts: initiator codon variant (1).
Genome position (GRCh38, 1-based): chr17:74,920,526, T>C on the plus strand (A>G on the coding strand, the complement: USH1G is on the minus strand). VCF-style: chr17-74920526-T-C. GRCh37 (hg19) VCF-style: chr17-72916621-T-C.
Other names: c.1A>G, p.Met1Val (NM_001282489.3); short protein forms M104V, M1V.
Identifiers: ClinVar variation 166402 (VCV000166402.33), dbSNP rs149529031, ClinGen allele CA179499.
Genomic context (GRCh38, chr17:74,920,526, plus strand): 5'-GCTTGGCCGCGATGGAGTCCAGGTAGCGCACGCATTCCATGTGGCCCTTCATGGCAGCCA[T>C]GTCCAGCGGCGTGTGGTAGTCGTTGTCTAGGCACCAGATGTTGGCTCCGAAGGACACCAG-3'
Protein context (NP_775748.2, residues 94-114): LDNDYHTPLD[Met104Val]AAMKGHMECV

ClinVar aggregate classification (germline): Conflicting classifications of pathogenicity. Review status: criteria provided, conflicting classifications (1 of 4 stars). 9 submissions from 9 submitters: Pathogenic (1); Likely pathogenic (3); Uncertain significance (5). Last evaluated 2025-11-01.

Conditions:
Hearing impairment. Also called: Impaired Hearing. Identifiers: MedGen C1384666, MONDO:0005365, HP:0000365.
Usher syndrome type 1G. Also called: USHER SYNDROME, TYPE IG, MILD. Identifiers: Orphanet 231169, Orphanet 886, MedGen C1847089, MONDO:0011748, OMIM 606943.
USH1G-related disorder. Also called: USH1G-related condition; USH1G-related disorders.

Allele frequency attached by ClinVar (database versions not stated): ExAC 0.00012; gnomAD exomes 0.00014 and 0.00031; TOPMed 0.00026; gnomAD 0.00029 and 0.00031; ESP Exome Variant Server 0.00031.

Submissions (9):

GeneDx
Classification: Uncertain significance. Last evaluated: 2025-11-01. Review status: criteria provided, single submitter. Criteria: GeneDx Variant Classification Process June 2021. Collection method: clinical testing. Allele origin: germline. Affected: yes.
Comment: Identified in trans with a second variant in affected individuals in a family with nonsyndromic hearing loss (PMID: 25255398); In silico analysis suggests that this missense variant does not alter protein structure/function; Published functional studies are inconclusive, suggesting that the variant may disrupt interactions with some proteins but that sufficient residual function may be retained (PMID: 28137943, 31637240); This variant is associated with the following publications: (PMID: 30245029, 28137943, 31637240, 30828346, 27353947, 37734845, 25255398, 27068579)

Labcorp Genetics (formerly Invitae), Labcorp
Classification: Uncertain significance. Last evaluated: 2024-12-19. Review status: criteria provided, single submitter. Criteria: Invitae Variant Classification Sherloc (09022015). Collection method: clinical testing. Allele origin: germline.
Comment: This sequence change replaces methionine, which is neutral and non-polar, with valine, which is neutral and non-polar, at codon 104 of the USH1G protein (p.Met104Val). This variant is present in population databases (rs149529031, gnomAD 0.03%). This missense change has been observed in individual(s) with non-syndromic deafness (PMID: 25255398, 37734845). ClinVar contains an entry for this variant (Variation ID: 166402). Invitae Evidence Modeling of protein sequence and biophysical properties (such as structural, functional, and spatial information, amino acid conservation, physicochemical variation, residue mobility, and thermodynamic stability) indicates that this missense variant is not expected to disrupt USH1G protein function with a negative predictive value of 80%. Experimental studies have shown that this missense change affects USH1G function (PMID: 31637240). In summary, the available evidence is currently insufficient to determine the role of this variant in disease. Therefore, it has been classified as a Variant of Uncertain Significance.

Blueprint Genetics
Classification: Pathogenic for USH1G-related disorders. Last evaluated: 2024-10-31. Review status: criteria provided, single submitter. Criteria: ACMG Guidelines, 2015. Collection method: clinical testing. Allele origin: germline. Affected: yes. Observed: 5 variant alleles.

Fulgent Genetics
Classification: Likely pathogenic for Usher syndrome type 1G. Last evaluated: 2024-06-04. Review status: criteria provided, single submitter. Criteria: ACMG Guidelines, 2015. Collection method: clinical testing. Allele origin: germline.

Women's Health and Genetics/Laboratory Corporation of America, LabCorp
Classification: Uncertain significance. Last evaluated: 2024-02-06. Review status: criteria provided, single submitter. Criteria: LabCorp Variant Classification Summary - May 2015. Collection method: clinical testing. Allele origin: germline.
Comment: Variant summary: USH1G c.310A>G (p.Met104Val) results in a conservative amino acid change located in the ANK3 domain (Sorusch_2019) of the encoded protein sequence. Four of five in-silico tools predict a benign effect of the variant on protein function. The variant allele was found at a frequency of 0.00014 in 251262 control chromosomes. This frequency is not significantly higher than estimated for a pathogenic variant in USH1G causing Usher Syndrome (0.00014 vs 0.0014), allowing no conclusion about variant significance. It has also been reported as a VUS with a non-informative genotype (i.e., second allele not specified) in settings of multigene panel testing in cohorts of patients with NSHL (example, Sommen_2016), as a non-informative genotype in settings of exome sequencing of cohorts with Retinal dystrophies (example, Tiwari_2016), as a non-informative genotype in settings of multigene panel testing of cohorts with sporadic Menieres disease (MD) (example, Gallego-Martinez_2019). The Deafness Variation Database (DVB) cites this variant as pathogenic based on a custom-built internal computational pipeline (example, Azaiez_2018). These data indicate that the variant may be associated with disease. At least one publication reports experimental evidence evaluating an impact on protein function. The most pronounced variant effect results in a loss of USH1G binding (residual activity at approximately 10-30% of wild-type) to intraflagellar transport (IFT) molecules in the primary cilia (example, Sorusch_2019). The following publications have been ascertained in the context of this evaluation (PMID: 30245029, 27353947, 30828346, 25255398, 27068579, 31637240). ClinVar contains an entry for this variant (Variation ID: 166402). Based on the evidence outlined above, the variant was classified as VUS-possibly pathogenic.

Department of Pathology and Laboratory Medicine, Sinai Health System
Classification: Uncertain significance for Usher syndrome type 1G. Last evaluated: 2022-04-06. Review status: criteria provided, single submitter. Criteria: ACMG Guidelines, 2015. Collection method: research. Allele origin: germline.

Department of Otolaryngology – Head & Neck Surgery, Cochlear Implant Center
Classification: Likely pathogenic for Hearing impairment. Last evaluated: 2021-04-12. Review status: criteria provided, single submitter. Criteria: ClinGen HL ACMG Specifications v1. Collection method: clinical testing. Allele origin: germline. Affected: yes.
Comment: PS1_Strong, PM2_Supporting, BP4_Supporting

Institute of Medical Genetics and Applied Genomics, University Hospital Tübingen
Classification: Likely pathogenic. Last evaluated: 2020-10-23. Review status: criteria provided, single submitter. Criteria: ACMG Guidelines, 2015. Collection method: clinical testing. Allele origin: germline. Inheritance: Autosomal recessive inheritance. Affected: yes.

Laboratory for Molecular Medicine, Mass General Brigham Personalized Medicine
Classification: Uncertain significance. Last evaluated: 2013-09-29. Review status: criteria provided, single submitter. Criteria: LMM Criteria. Collection method: clinical testing. Allele origin: germline. Observed: 1 variant allele.
Comment: The Met104Val variant in USH1G has not been reported in individuals with hearing loss, but has been identified in 3/8600 (0.03%) European American chromosomes b y the NHLBI Exome Sequencing Project (dbSNP r s149529031). Computational analyses (biochemical amino acid properties, conserv ation, AlignGVGD, PolyPhen2, and SIFT) do not provide strong support for or agai nst an impact to the protein. In summary, additional data is needed to determine the clinical significance of this variant.

Literature cited by the submitters: PubMed 25255398 (cited by 3 submitters); PubMed 37734845 (cited by Labcorp Genetics (formerly Invitae), Labcorp); PubMed 31637240 (cited by Labcorp Genetics (formerly Invitae), Labcorp and Women's Health and Genetics/Laboratory Corporation of America, LabCorp); PubMed 30245029 (cited by Women's Health and Genetics/Laboratory Corporation of America, LabCorp); PubMed 27353947 (cited by Women's Health and Genetics/Laboratory Corporation of America, LabCorp); PubMed 30828346 (cited by Women's Health and Genetics/Laboratory Corporation of America, LabCorp); PubMed 27068579 (cited by Women's Health and Genetics/Laboratory Corporation of America, LabCorp).